The following is an entry in ClinVar:

NM_003611.3(OFD1):c.2927A>C (p.Lys976Thr)

Gene: OFD1 (OFD1 centriole and centriolar satellite protein; plus strand). Cytogenetic location: Xp22.2.
Variant type: single nucleotide variant.
Coding change: c.2927A>C on transcript NM_003611.3 (MANE Select); coding-DNA position 2927, A replaced by C.
Protein change: p.Lys976Thr; replaces lysine 976 with threonine.
Molecular consequence: missense variant.
Genome position (GRCh38, 1-based): chrX:13,768,223, A>C. VCF-style: chrX-13768223-A-C. GRCh37 (hg19) VCF-style: chrX-13786342-A-C.
Other names: c.2807A>C, p.Lys936Thr (NM_001330209.2); c.2507A>C, p.Lys836Thr (NM_001330210.2); short protein forms K936T, K976T, K836T.
Identifiers: ClinVar variation 810507 (VCV000810507.50), dbSNP rs1458317780, ClinGen allele CA412314116.

ClinVar aggregate classification (germline): Uncertain significance. Review status: criteria provided, multiple submitters, no conflicts (2 of 4 stars). 3 submissions from 3 submitters: Uncertain significance (3). Last evaluated 2025-11-28.

Conditions:
Orofaciodigital syndrome I (OFD1). Also called: Oral-Facial-Digital Syndrome Type I; OFDS I; Papillon-Leage and Psaume Syndrome. Identifiers: Orphanet 2750, MedGen C1510460, MONDO:0010702, OMIM 311200.
Joubert syndrome. Also called: Familial aplasia of the vermis; JOUBERT-BOLTSHAUSER SYNDROME. Identifiers: Orphanet 475, MedGen C5979921, MONDO:0018772.

Allele frequency attached by ClinVar (database versions not stated): gnomAD exomes 0.00001; gnomAD 0.00002; TOPMed 0.00002.
gnomAD v4.1: 18 of 1,199,639 alleles (0.0015%); highest among the groups gnomAD compares: Middle Eastern, 0.046%; no homozygotes.

Submissions (3):

Labcorp Genetics (formerly Invitae), Labcorp
Classification: Uncertain significance for Orofaciodigital syndrome I; Joubert syndrome. Last evaluated: 2025-11-28. Review status: criteria provided, single submitter. Criteria: Invitae Variant Classification Sherloc (09022015). Collection method: clinical testing. Allele origin: germline.
Comment: This sequence change replaces lysine, which is basic and polar, with threonine, which is neutral and polar, at codon 976 of the OFD1 protein (p.Lys976Thr). This variant is present in population databases (no rsID available, gnomAD 0.001%). This missense change has been observed in individual(s) with clinical features of OFD1-related conditions (PMID: 33532864, 34768622, 37230223). ClinVar contains an entry for this variant (Variation ID: 810507). An algorithm developed to predict the effect of missense changes on protein structure and function (PolyPhen-2) suggests that this variant is likely to be disruptive. Algorithms developed to predict the effect of sequence changes on RNA splicing suggest that this variant may disrupt the consensus splice site. In summary, the available evidence is currently insufficient to determine the role of this variant in disease. Therefore, it has been classified as a Variant of Uncertain Significance.

Blueprint Genetics
Classification: Uncertain significance. Last evaluated: 2023-01-11. Review status: criteria provided, single submitter. Criteria: ACMG Guidelines, 2015. Collection method: clinical testing. Allele origin: germline.

CeGaT Center for Human Genetics Tuebingen
Classification: Uncertain significance. Last evaluated: 2019-05-01. Review status: criteria provided, single submitter. Criteria: CeGaT Center For Human Genetics Tuebingen Variant Classification Criteria Version 2. Collection method: clinical testing. Allele origin: germline. Affected: yes. Observed: 1 variant allele.

Literature cited by the submitters: PubMed 33532864 (cited by Labcorp Genetics (formerly Invitae), Labcorp); PubMed 34768622 (cited by Labcorp Genetics (formerly Invitae), Labcorp); PubMed 37230223 (cited by Labcorp Genetics (formerly Invitae), Labcorp).